The following is an entry in ClinVar:

NM_024529.5(CDC73):c.415C>T (p.Arg139Ter)

Gene: CDC73 (cell division cycle 73; plus strand). Cytogenetic location: 1q31.2.
Variant type: single nucleotide variant.
Coding change: c.415C>T on transcript NM_024529.5 (MANE Select); coding-DNA position 415, C replaced by T.
Protein change: p.Arg139Ter; replaces arginine 139 with a stop codon.
Molecular consequence: nonsense.
Genome position (GRCh38, 1-based): chr1:193,135,581, C>T. VCF-style: chr1-193135581-C-T. GRCh37 (hg19) VCF-style: chr1-193104711-C-T.
Other names: short protein forms R139*.
Identifiers: ClinVar variation 1074700 (VCV001074700.15), dbSNP rs2103121721, ClinGen allele CA343960775.
Genomic context (GRCh38, chr1:193,135,581, plus strand): 5'-TCTCTTTCTTTTATAGTCAAACGAGCTGCAGATGAAGTTTTAGCAGAAGCAAAGAAACCA[C>T]GAATTGAGGTAAAGAAACTGTATTTTAAACAATTTTATTTATATTGTTATTGAAATTGGG-3'

ClinVar aggregate classification (germline): Pathogenic. Review status: criteria provided, multiple submitters, no conflicts (2 of 4 stars). 4 submissions from 4 submitters: Pathogenic (4). Last evaluated 2025-12-01.

Conditions:
Hyperparathyroidism 1 (HRPT1). Also called: HYPERPARATHYROIDISM, FAMILIAL ISOLATED PRIMARY. Identifiers: Orphanet 99879, MedGen C1840402, MONDO:0007767, OMIM 145000.
Parathyroid carcinoma (PRTC). Also called: Parathyroid gland carcinoma; CDC73-Related Parathyroid Carcinoma. Identifiers: Orphanet 143, MedGen C0687150, MONDO:0012004, OMIM 608266, HP:0006780.
Hyperparathyroidism 2 with jaw tumors. Also called: Hyperparathyroidism 2; HYPERPARATHYROIDISM, FAMILIAL PRIMARY, WITH MULTIPLE OSSIFYING JAW FIBROMAS; HYPERPARATHYROIDISM-JAW TUMOR SYNDROME, HEREDITARY; Hyperparathyroidism-Jaw Tumor Syndrome. Identifiers: Orphanet 99880, MedGen C1704981, MONDO:0007768, OMIM 145001.
Hereditary cancer-predisposing syndrome. Also called: Neoplastic Syndromes, Hereditary; Hereditary neoplastic syndrome; Tumor predisposition; Hereditary Cancer Syndrome. Identifiers: Orphanet 140162, MedGen C0027672, MeSH D009386, MONDO:0015356.

Allele frequency attached by ClinVar (database versions not stated): gnomAD exomes below 0.00001.
gnomAD v4.1: 2 of 1,608,888 alleles (0.00012%); highest among the groups gnomAD compares: Non-Finnish European, 0.00017%; no homozygotes.

Submissions (4):

Labcorp Genetics (formerly Invitae), Labcorp
Classification: Pathogenic for Parathyroid carcinoma. Last evaluated: 2025-12-01. Review status: criteria provided, single submitter. Criteria: Invitae Variant Classification Sherloc (09022015). Collection method: clinical testing. Allele origin: germline.
Comment: This sequence change creates a premature translational stop signal (p.Arg139*) in the CDC73 gene. It is expected to result in an absent or disrupted protein product. Loss-of-function variants in CDC73 are known to be pathogenic (PMID: 12434154). This variant is not present in population databases (gnomAD no frequency). This premature translational stop signal has been observed in individual(s) with parathyroid carcinom (PMID: 17468190, 22987117, 23293331). ClinVar contains an entry for this variant (Variation ID: 1074700). For these reasons, this variant has been classified as Pathogenic.

Ambry Genetics
Classification: Pathogenic for Hereditary cancer-predisposing syndrome. Last evaluated: 2025-08-04. Review status: criteria provided, single submitter. Criteria: Ambry Variant Classification Scheme 2023. Collection method: clinical testing. Allele origin: germline.
Comment: The p.R139* pathogenic mutation (also known as c.415C>T), located in coding exon 5 of the CDC73 gene, results from a C to T substitution at nucleotide position 415. This changes the amino acid from an arginine to a stop codon within coding exon 5. This alteration has been identified in individuals diagnosed with primary hyperparathyroidism, parathyroid adenomas and/or parathyroid carcinomas (Guarnieri V et al. Cell Oncol (Dordr), 2012 Dec;35:411-22; Bricaire L et al. J Clin Endocrinol Metab, 2013 Feb;98:E403-8; Khadilkar KS et al. Endocr Pract, 2015 Sep;21:1010-6; Gill AJ et al. Am J Surg Pathol, 2019 01;43:35-46). This variant is considered to be rare based on population cohorts in the Genome Aggregation Database (gnomAD). In addition to the clinical data presented in the literature, this alteration is expected to result in loss of function by premature protein truncation or nonsense-mediated mRNA decay. As such, this alteration is interpreted as a disease-causing mutation.

Fulgent Genetics
Classification: Pathogenic for Hyperparathyroidism 1; Hyperparathyroidism 2 with jaw tumors; Parathyroid carcinoma. Last evaluated: 2024-04-05. Review status: criteria provided, single submitter. Criteria: ACMG Guidelines, 2015. Collection method: clinical testing. Allele origin: germline.

GeneDx
Classification: Pathogenic. Last evaluated: 2022-01-21. Review status: criteria provided, single submitter. Criteria: GeneDx Variant Classification Process June 2021. Collection method: clinical testing. Allele origin: germline. Affected: yes.
Comment: Nonsense variant predicted to result in protein truncation or nonsense mediated decay in a gene for which loss-of-function is a known mechanism of disease; Not observed at significant frequency in large population cohorts (gnomAD); Identified in individuals with reporting CRC73-associated phenotypes in the literature and at GeneDx (Cetani 2007, Guarnieri 2012, Bricaire 2013); This variant is associated with the following publications: (PMID: 25525159, 17468190, 32590342, 26121439, 22987117, 23293331)

Literature cited by the submitters: PubMed 12434154 (cited by Labcorp Genetics (formerly Invitae), Labcorp); PubMed 17468190 (cited by Labcorp Genetics (formerly Invitae), Labcorp); PubMed 22987117 (cited by Labcorp Genetics (formerly Invitae), Labcorp and Ambry Genetics); PubMed 23293331 (cited by Labcorp Genetics (formerly Invitae), Labcorp and Ambry Genetics); PubMed 26121439 (cited by Ambry Genetics); PubMed 29324469 (cited by Ambry Genetics).